The following is an entry in ClinVar:

NM_004990.4(MARS1):c.2504C>A (p.Thr835Lys)

Gene: MARS1 (methionyl-tRNA synthetase 1; plus strand). Cytogenetic location: 12q13.3.
Variant type: single nucleotide variant.
Coding change: c.2504C>A on transcript NM_004990.4 (MANE Select); coding-DNA position 2504, C replaced by A.
Protein change: p.Thr835Lys; replaces threonine 835 with lysine.
Molecular consequence: missense variant.
Genome position (GRCh38, 1-based): chr12:57,516,285, C>A. VCF-style: chr12-57516285-C-A. GRCh37 (hg19) VCF-style: chr12-57910068-C-A.
Other names: short protein forms T835K.
Identifiers: ClinVar variation 2932710 (VCV002932710.3), dbSNP rs765394045, ClinGen allele CA6650868.
Genomic context (GRCh38, chr12:57,516,285, plus strand): 5'-ATAACTTTGTTGTTCTCCAGGCAAAAACGTCCCCGAAGCCAGCAGTTGTAGAGACTGTTA[C>A]AACAGCCAAGCCACAGCAGATACAAGCGCTGATGGATGAAGTGACAAAACAAGTATGAAG-3'
Protein context (NP_004981.2, residues 825-845): SPKPAVVETV[Thr835Lys]TAKPQQIQAL

ClinVar aggregate classification (germline): Uncertain significance (1 of 4 stars; one submission).

Conditions:
Charcot-Marie-Tooth disease axonal type 2U. Also called: CHARCOT-MARIE-TOOTH NEUROPATHY, TYPE 2U; CHARCOT-MARIE-TOOTH DISEASE, AXONAL, AUTOSOMAL DOMINANT, TYPE 2U. Identifiers: Orphanet 397735, MedGen C4084821, MONDO:0014566, OMIM 616280.
Severe early-onset pulmonary alveolar proteinosis due to MARS deficiency. Also called: PULMONARY ALVEOLAR PROTEINOSIS, REUNION ISLAND; Interstitial lung and liver disease. Identifiers: Orphanet 440427, MedGen C4225400, MONDO:0014206, OMIM 615486.

Allele frequency attached by ClinVar (database versions not stated): gnomAD 0.00001.
gnomAD v4.1: 10 of 1,614,034 alleles (0.00062%); highest among the groups gnomAD compares: Admixed American, 0.0017%; no homozygotes.

Submission:

Labcorp Genetics (formerly Invitae), Labcorp
Classification: Uncertain significance for Charcot-Marie-Tooth disease axonal type 2U; Severe early-onset pulmonary alveolar proteinosis due to MARS deficiency. Last evaluated: 2024-10-05. Review status: criteria provided, single submitter. Criteria: Invitae Variant Classification Sherloc (09022015). Collection method: clinical testing. Allele origin: germline.
Comment: This sequence change replaces threonine, which is neutral and polar, with lysine, which is basic and polar, at codon 835 of the MARS protein (p.Thr835Lys). This variant is present in population databases (rs765394045, gnomAD 0.01%). This variant has not been reported in the literature in individuals affected with MARS-related conditions. An algorithm developed to predict the effect of missense changes on protein structure and function outputs the following: PolyPhen-2: "Benign". The lysine amino acid residue is found in multiple mammalian species, which suggests that this missense change does not adversely affect protein function. In summary, the available evidence is currently insufficient to determine the role of this variant in disease. Therefore, it has been classified as a Variant of Uncertain Significance.